The following is an entry in ClinVar:

ClinVar aggregate classification (germline): Benign/Likely benign. Review status: criteria provided, multiple submitters, no conflicts (2 of 4 stars). 4 submissions from 4 submitters: Benign (2); Likely benign (2). Last evaluated 2026-02-01.

Conditions:
Coenzyme Q10 deficiency, primary, 3 (COQ10D3). Identifiers: Orphanet 255249, MedGen C3553358, MONDO:0013838, OMIM 614652.

Allele frequency attached by ClinVar (database versions not stated): 1000 Genomes Project 0.00120; gnomAD 0.00130 and 0.00141; 1000 Genomes Project 30x 0.00156; TOPMed 0.00184; ESP Exome Variant Server 0.00192.
gnomAD v4.1: 446 of 1,611,506 alleles (0.028%); highest among the groups gnomAD compares: African/African-American, 0.41%; 1 homozygote.

Submissions (4):

Labcorp Genetics (formerly Invitae), Labcorp
Classification: Benign. Last evaluated: 2026-02-01. Review status: criteria provided, single submitter. Criteria: Invitae Variant Classification Sherloc (09022015). Collection method: clinical testing. Allele origin: germline.

Blueprint Genetics
Classification: Likely benign. Last evaluated: 2024-09-09. Review status: criteria provided, single submitter. Criteria: ACMG Guidelines, 2015. Collection method: clinical testing. Allele origin: germline.

Fulgent Genetics
Classification: Likely benign for Coenzyme Q10 deficiency, primary, 3. Last evaluated: 2021-08-10. Review status: criteria provided, single submitter. Criteria: ACMG Guidelines, 2015. Collection method: clinical testing. Allele origin: unknown.

GeneDx
Classification: Benign. Last evaluated: 2014-05-27. Review status: criteria provided, single submitter. Criteria: GeneDx Variant Classification (06012015). Collection method: clinical testing. Allele origin: germline. Affected: yes.
Comment: This variant is considered likely benign or benign based on one or more of the following criteria: it is a conservative change, it occurs at a poorly conserved position in the protein, it is predicted to be benign by multiple in silico algorithms, and/or has population frequency not consistent with disease.

NM_020381.4(PDSS2):c.431+17C>T

Gene: PDSS2 (decaprenyl diphosphate synthase subunit 2; minus strand). Cytogenetic location: 6q21.
Variant type: single nucleotide variant.
Coding change: c.431+17C>T on transcript NM_020381.4 (MANE Select); 17 bases into the intron after coding-DNA position 431, C replaced by T.
Molecular consequence: intron variant.
Genome position (GRCh38, 1-based): chr6:107,334,181, G>A on the plus strand (C>T on the coding strand, the complement: PDSS2 is on the minus strand). VCF-style: chr6-107334181-G-A. GRCh37 (hg19) VCF-style: chr6-107655385-G-A.
Identifiers: ClinVar variation 138688 (VCV000138688.11), dbSNP rs192411971, ClinGen allele CA292775.